The following is an entry in ClinVar:

ClinVar aggregate classification (germline): Uncertain significance. Review status: criteria provided, multiple submitters, no conflicts (2 of 4 stars). 4 submissions from 4 submitters: Uncertain significance (4). Last evaluated 2026-01-04.

Conditions:
Familial cancer of breast. Also called: Hereditary breast cancer; BREAST CANCER, FAMILIAL; hereditary breast carcinoma. Identifiers: Orphanet 227535, MedGen C0346153, MONDO:0016419, OMIM 114480. Disease mechanism: loss of function.
Fanconi anemia complementation group J. Also called: BRIP1-Related Fanconi Anemia. Identifiers: Orphanet 84, MedGen C1836860, MONDO:0012187, OMIM 609054.
Hereditary cancer-predisposing syndrome. Also called: Tumor predisposition; Hereditary Cancer Syndrome; Neoplastic Syndromes, Hereditary; Hereditary neoplastic syndrome. Identifiers: Orphanet 140162, MedGen C0027672, MeSH D009386, MONDO:0015356.

Submissions (4):

Labcorp Genetics (formerly Invitae), Labcorp
Classification: Uncertain significance for Familial cancer of breast; Fanconi anemia complementation group J. Last evaluated: 2026-01-04. Review status: criteria provided, single submitter. Criteria: Invitae Variant Classification Sherloc (09022015). Collection method: clinical testing. Allele origin: germline.
Comment: This sequence change replaces serine, which is neutral and polar, with leucine, which is neutral and non-polar, at codon 1076 of the BRIP1 protein (p.Ser1076Leu). This variant is not present in population databases (gnomAD no frequency). This variant has not been reported in the literature in individuals affected with BRIP1-related conditions. ClinVar contains an entry for this variant (Variation ID: 219482). Invitae Evidence Modeling of protein sequence and biophysical properties (such as structural, functional, and spatial information, amino acid conservation, physicochemical variation, residue mobility, and thermodynamic stability) indicates that this missense variant is not expected to disrupt BRIP1 protein function with a negative predictive value of 95%. In summary, the available evidence is currently insufficient to determine the role of this variant in disease. Therefore, it has been classified as a Variant of Uncertain Significance.

GeneDx
Classification: Uncertain significance. Last evaluated: 2024-12-16. Review status: criteria provided, single submitter. Criteria: GeneDx Variant Classification Process June 2021. Collection method: clinical testing. Allele origin: germline. Affected: yes.
Comment: Not observed at significant frequency in large population cohorts (gnomAD); In silico analysis indicates that this missense variant does not alter protein structure/function; Has not been previously published as pathogenic or benign to our knowledge

Ambry Genetics
Classification: Uncertain significance for Hereditary cancer-predisposing syndrome. Last evaluated: 2024-01-17. Review status: criteria provided, single submitter. Criteria: Ambry Variant Classification Scheme 2023. Collection method: clinical testing. Allele origin: germline.
Comment: The p.S1076L variant (also known as c.3227C>T), located in coding exon 19 of the BRIP1 gene, results from a C to T substitution at nucleotide position 3227. The serine at codon 1076 is replaced by leucine, an amino acid with dissimilar properties. This amino acid position is not well conserved in available vertebrate species. In addition, this alteration is predicted to be tolerated by in silico analysis. Since supporting evidence is limited at this time, the clinical significance of this alteration remains unclear.

Color Diagnostics, LLC DBA Color Health
Classification: Uncertain significance for Hereditary cancer-predisposing syndrome. Last evaluated: 2023-12-04. Review status: criteria provided, single submitter. Criteria: ACMG Guidelines, 2015. Collection method: clinical testing. Allele origin: germline.
Comment: This missense variant replaces serine with leucine at codon 1076 of the BRIP1 protein. Computational prediction tools and conservation analyses are inconclusive regarding the impact of this variant on protein structure and function. Splice site prediction tools suggest that this variant may not impact RNA splicing. To our knowledge, functional studies have not been performed for this variant. This variant has not been reported in individuals affected with hereditary cancer in the literature. This variant has not been identified in the general population by the Genome Aggregation Database (gnomAD). The available evidence is insufficient to determine the role of this variant in disease conclusively. Therefore, this variant is classified as a Variant of Uncertain Significance.

NM_032043.3(BRIP1):c.3227C>T (p.Ser1076Leu)

Gene: BRIP1 (BRCA1 interacting DNA helicase 1; minus strand). Cytogenetic location: 17q23.2.
Variant type: single nucleotide variant.
Coding change: c.3227C>T on transcript NM_032043.3 (MANE Select); coding-DNA position 3227, C replaced by T.
Protein change: p.Ser1076Leu; replaces serine 1076 with leucine.
Molecular consequence: missense variant.
Genome position (GRCh38, 1-based): chr17:61,683,819, G>A on the plus strand (C>T on the coding strand, the complement: BRIP1 is on the minus strand). VCF-style: chr17-61683819-G-A. GRCh37 (hg19) VCF-style: chr17-59761180-G-A.
Other names: short protein forms S1076L.
Identifiers: ClinVar variation 219482 (VCV000219482.24), dbSNP rs864622113, ClinGen allele CA349030.